The following is an entry in ClinVar:

NM_004606.5(TAF1):c.415C>T (p.Pro139Ser)

Gene: TAF1 (TATA-box binding protein associated factor 1; plus strand). Cytogenetic location: Xq13.1.
Variant type: single nucleotide variant.
Coding change: c.415C>T on transcript NM_004606.5 (MANE Select); coding-DNA position 415, C replaced by T.
Protein change: p.Pro139Ser; replaces proline 139 with serine.
Molecular consequence: missense variant. On other transcripts: non-coding transcript variant (9).
Genome position (GRCh38, 1-based): chrX:71,375,229, C>T. VCF-style: chrX-71375229-C-T. GRCh37 (hg19) VCF-style: chrX-70595079-C-T.
Other names: c.415C>T, p.Pro139Ser (NM_001286074.2, NM_138923.4); short protein forms P139S.
Identifiers: ClinVar variation 2428999 (VCV002428999.3), dbSNP rs1253304134, ClinGen allele CA413503643.

ClinVar aggregate classification (germline): Uncertain significance (1 of 4 stars; one submission).

Allele frequency attached by ClinVar (database versions not stated): gnomAD exomes below 0.00001.
gnomAD v4.1: 2 of 1,210,933 alleles (0.00017%); highest among the groups gnomAD compares: Non-Finnish European, 0.00022%; no homozygotes.

Submission:

GeneDx
Classification: Uncertain significance. Last evaluated: 2022-08-04. Review status: criteria provided, single submitter. Criteria: GeneDx Variant Classification Process June 2021. Collection method: clinical testing. Allele origin: germline. Affected: yes.
Comment: Not observed at significant frequency in large population cohorts (gnomAD); In silico analysis supports that this missense variant has a deleterious effect on protein structure/function; Has not been previously published as pathogenic or benign to our knowledge